The following is an entry in ClinVar:

ClinVar aggregate classification (germline): Conflicting classifications of pathogenicity. Review status: criteria provided, conflicting classifications (1 of 4 stars). 5 submissions from 5 submitters: Uncertain significance (1); Likely benign (3). 1 of the submissions does not count toward it. Last evaluated 2026-07-01.

Conditions:
Knobloch syndrome (KNO). Also called: Myopia retinal detachment encephalocele; RETINAL DETACHMENT AND OCCIPITAL ENCEPHALOCELE. Identifiers: Orphanet 1571, MedGen C1849409, MONDO:0800166.
COL18A1-related disorder. Also called: COL18A1-related condition; COL18A1-related disorders.

Allele frequency attached by ClinVar (database versions not stated): gnomAD 0.00005 and 0.00007; TOPMed 0.00009; gnomAD exomes 0.00010; ExAC 0.00011; 1000 Genomes Project 0.00020; 1000 Genomes Project 30x 0.00047.
gnomAD v4.1: 165 of 1,610,164 alleles (0.01%); highest among the groups gnomAD compares: Middle Eastern, 0.033%; 3 homozygotes.

Submissions (5):

CeGaT Center for Human Genetics Tuebingen
Classification: Likely benign. Last evaluated: 2026-07-01. Review status: criteria provided, single submitter. Criteria: CeGaT Center For Human Genetics Tuebingen Variant Classification Criteria Version 2. Collection method: clinical testing. Allele origin: germline. Affected: yes. Observed: 1 variant allele.
Comment: COL18A1: BP4, BP7

Labcorp Genetics (formerly Invitae), Labcorp
Classification: Likely benign. Last evaluated: 2026-02-02. Review status: criteria provided, single submitter. Criteria: Invitae Variant Classification Sherloc (09022015). Collection method: clinical testing. Allele origin: germline.

Blueprint Genetics
Classification: Likely benign. Last evaluated: 2022-09-12. Review status: criteria provided, single submitter. Criteria: ACMG Guidelines, 2015. Collection method: clinical testing. Allele origin: germline.

Illumina Laboratory Services, Illumina
Classification: Uncertain significance for Knobloch syndrome 1. Last evaluated: 2018-01-13. Review status: criteria provided, single submitter. Criteria: ICSL Variant Classification Criteria 13 December 2019. Collection method: clinical testing. Allele origin: germline.

PreventionGenetics, part of Exact Sciences
Classification: Likely benign for COL18A1-related condition. Last evaluated: 2020-10-01. Review status: no assertion criteria provided. Collection method: clinical testing. Allele origin: germline. Not counted in ClinVar's aggregate classification.
Comment: This variant is classified as likely benign based on ACMG/AMP sequence variant interpretation guidelines (Richards et al. 2015 PMID: 25741868, with internal and published modifications).

NM_001379500.1(COL18A1):c.996C>T (p.Arg332=)

Gene: COL18A1 (collagen type XVIII alpha 1 chain; plus strand). Cytogenetic location: 21q22.3.
Variant type: single nucleotide variant.
Coding change: c.996C>T on transcript NM_001379500.1 (MANE Select); coding-DNA position 996, C replaced by T.
Protein change: p.Arg332=; no amino-acid change (arginine 332 retained).
Molecular consequence: synonymous variant.
Genome position (GRCh38, 1-based): chr21:45,477,478, C>T. VCF-style: chr21-45477478-C-T. GRCh37 (hg19) VCF-style: chr21-46897392-C-T.
Other names: NM_130445.2:c.996C>T; c.1536C>T (NM_030582.3); c.1536C>T, p.Arg512= (NM_030582.4); c.2241C>T, p.Arg747= (NM_130444.3).
Identifiers: ClinVar variation 340209 (VCV000340209.16), dbSNP rs530808102, ClinGen allele CA10066043.